The following is an entry in ClinVar:

NM_001242896.3(DEPDC5):c.2140G>A (p.Glu714Lys)

Gene: DEPDC5 (DEP domain containing 5, GATOR1 subcomplex subunit; plus strand). Cytogenetic location: 22q12.3.
Variant type: single nucleotide variant.
Coding change: c.2140G>A on transcript NM_001242896.3 (MANE Select); coding-DNA position 2140, G replaced by A.
Protein change: p.Glu714Lys; replaces glutamic acid 714 with lysine.
Molecular consequence: missense variant. On other transcripts: non-coding transcript variant (5).
Genome position (GRCh38, 1-based): chr22:31,833,950, G>A. VCF-style: chr22-31833950-G-A. GRCh37 (hg19) VCF-style: chr22-32229936-G-A.
Other names: c.1906G>A, p.Glu636Lys (NM_001363854.2, NM_001364319.2, NM_001242897.2); c.2140G>A, p.Glu714Lys (NM_001364318.2, NM_001364320.2, NM_001369903.1 and 3 more transcripts); c.2056G>A, p.Glu686Lys (NM_001369901.1, NM_001369902.1); short protein forms E636K, E686K, E714K.
Identifiers: ClinVar variation 3635080 (VCV003635080.2).

ClinVar aggregate classification (germline): Uncertain significance (1 of 4 stars; one submission).

Conditions:
Familial focal epilepsy with variable foci (FPEVF). Identifiers: Orphanet 98820, MedGen C1858477, MONDO:0020310.

gnomAD v4.1: 2 of 1,612,462 alleles (0.00012%); highest among the groups gnomAD compares: Non-Finnish European, 0.00017%; no homozygotes.

Submission:

Labcorp Genetics (formerly Invitae), Labcorp
Classification: Uncertain significance for Familial focal epilepsy with variable foci. Last evaluated: 2024-10-28. Review status: criteria provided, single submitter. Criteria: Invitae Variant Classification Sherloc (09022015). Collection method: clinical testing. Allele origin: germline.
Comment: This sequence change replaces glutamic acid, which is acidic and polar, with lysine, which is basic and polar, at codon 714 of the DEPDC5 protein (p.Glu714Lys). This variant is not present in population databases (gnomAD no frequency). This variant has not been reported in the literature in individuals affected with DEPDC5-related conditions. Experimental studies and prediction algorithms are not available or were not evaluated, and the functional significance of this variant is currently unknown. In summary, the available evidence is currently insufficient to determine the role of this variant in disease. Therefore, it has been classified as a Variant of Uncertain Significance.